The following is an entry in ClinVar:

NM_020366.4(RPGRIP1):c.2725A>G (p.Thr909Ala)

Gene: RPGRIP1 (RPGR interacting protein 1; plus strand). Cytogenetic location: 14q11.2.
Variant type: single nucleotide variant.
Coding change: c.2725A>G on transcript NM_020366.4 (MANE Select); coding-DNA position 2725, A replaced by G.
Protein change: p.Thr909Ala; replaces threonine 909 with alanine.
Molecular consequence: missense variant.
Genome position (GRCh38, 1-based): chr14:21,327,637, A>G. VCF-style: chr14-21327637-A-G. GRCh37 (hg19) VCF-style: chr14-21795796-A-G.
Other names: c.703A>G, p.Thr235Ala (NM_001377523.1, NM_001377950.1); c.1651A>G, p.Thr551Ala (NM_001377948.1); c.811A>G, p.Thr271Ala (NM_001377949.1); c.205A>G, p.Thr69Ala (NM_001377951.1); short protein forms T235A, T271A, T551A, T69A, T909A.
Identifiers: ClinVar variation 1079562 (VCV001079562.13), dbSNP rs759254680, ClinGen allele CA7089338.

ClinVar aggregate classification (germline): Conflicting classifications of pathogenicity. Review status: criteria provided, conflicting classifications (1 of 4 stars). 5 submissions from 5 submitters: Uncertain significance (2); Likely benign (3). Last evaluated 2026-08-27.

Conditions:
RPGRIP1-related disorder. Also called: RPGRIP1-related condition.
Leber congenital amaurosis 6 (LCA6). Identifiers: Orphanet 65, MedGen C1854260, MONDO:0013446, OMIM 613826.
Cone-rod dystrophy 13 (CORD13). Identifiers: Orphanet 1872, MedGen C2750720, MONDO:0011987, OMIM 608194.

Allele frequency attached by ClinVar (database versions not stated): ExAC 0.00007; gnomAD 0.00009 and 0.00010; TOPMed 0.00014; gnomAD exomes 0.00015.
gnomAD v4.1: 120 of 1,613,850 alleles (0.0074%); highest among the groups gnomAD compares: Admixed American, 0.02%; no homozygotes.

Submissions (5):

PreventionGenetics, part of Exact Sciences
Classification: Uncertain significance for RPGRIP1-related condition. Last evaluated: 2026-08-27. Review status: criteria provided, single submitter. Criteria: ACMG Guidelines, 2015. Collection method: clinical testing. Allele origin: germline.
Comment: The RPGRIP1 c.2725A>G variant is predicted to result in the amino acid substitution p.Thr909Ala. This variant has been reported in a cohort study of Leber congenital amaurosis (Zernant et al. 2005. PubMed ID: 16123401). This variant is present in 0.25% of alleles in individuals of Ashkenazi Jewish descent in gnomAD, indicating it is relatively common in this population. Although we suspect that this variant may be benign, at this time, the clinical significance of this variant is uncertain due to the absence of conclusive functional and genetic evidence.

Labcorp Genetics (formerly Invitae), Labcorp
Classification: Likely benign for Leber congenital amaurosis 6; Cone-rod dystrophy 13. Last evaluated: 2026-01-09. Review status: criteria provided, single submitter. Criteria: Invitae Variant Classification Sherloc (09022015). Collection method: clinical testing. Allele origin: germline.

Blueprint Genetics
Classification: Likely benign. Last evaluated: 2023-05-16. Review status: criteria provided, single submitter. Criteria: ACMG Guidelines, 2015. Collection method: clinical testing. Allele origin: germline.

Department of Pathology and Laboratory Medicine, Sinai Health System
Classification: Uncertain significance for Cone-rod dystrophy 13; Leber congenital amaurosis 6. Last evaluated: 2023-04-21. Review status: criteria provided, single submitter. Criteria: ACMG Guidelines, 2015. Collection method: research. Allele origin: germline.

Women's Health and Genetics/Laboratory Corporation of America, LabCorp
Classification: Likely benign. Last evaluated: 2021-08-20. Review status: criteria provided, single submitter. Criteria: LabCorp Variant Classification Summary - May 2015. Collection method: clinical testing. Allele origin: germline.
Comment: Variant summary: RPGRIP1 c.2725A>G (p.Thr909Ala) results in a non-conservative amino acid change in the encoded protein sequence. Four of five in-silico tools predict a benign effect of the variant on protein function. The variant allele was found at a frequency of 0.00014 in 280646 control chromosomes, predominantly at a frequency of 0.0025 within the Ashkenazi Jewish subpopulation in the gnomAD database. The observed variant frequency within Ashkenazi Jewish control individuals in the gnomAD database is approximately 2 fold of the estimated maximal expected allele frequency for a pathogenic variant in RPGRIP1 causing Leber Congenital Amaurosis phenotype (0.0011), strongly suggesting that the variant is a benign polymorphism found primarily in populations of Ashkenazi Jewish origin. c.2725A>G has been reported in the literature in at least one individual affected with Leber Congenital Amaurosis (Zernant_2005). The report does not provide unequivocal conclusions about association of the variant with Leber Congenital Amaurosis. To our knowledge, no experimental evidence demonstrating an impact on protein function has been reported. One ClinVar submitter (evaluation after 2014) cites the variant as likely benign. Based on the evidence outlined above, the variant was classified as likely benign.

Literature cited by the submitters: PubMed 16123401 (cited by Women's Health and Genetics/Laboratory Corporation of America, LabCorp).